The following is an entry in ClinVar:

ClinVar aggregate classification (germline): Uncertain significance (1 of 4 stars; one submission).

Submission:

GeneDx
Classification: Uncertain significance. Last evaluated: 2023-01-23. Review status: criteria provided, single submitter. Criteria: GeneDx Variant Classification Process June 2021. Collection method: clinical testing. Allele origin: germline. Affected: yes.
Comment: Not observed at significant frequency in large population cohorts (gnomAD); In silico analysis supports that this missense variant has a deleterious effect on protein structure/function; Has not been previously published as pathogenic or benign to our knowledge

NM_005097.4(LGI1):c.611C>G (p.Pro204Arg)

Gene: LGI1 (leucine rich glioma inactivated 1; plus strand). Cytogenetic location: 10q23.33.
Variant type: single nucleotide variant.
Coding change: c.611C>G on transcript NM_005097.4 (MANE Select); coding-DNA position 611, C replaced by G.
Protein change: p.Pro204Arg; replaces proline 204 with arginine.
Molecular consequence: missense variant. On other transcripts: non-coding transcript variant (1).
Genome position (GRCh38, 1-based): chr10:93,792,850, C>G. VCF-style: chr10-93792850-C-G. GRCh37 (hg19) VCF-style: chr10-95552607-C-G.
Other names: c.611C>G, p.Pro204Arg (NM_001308275.2); c.467C>G, p.Pro156Arg (NM_001308276.2); short protein forms P156R, P204R.
Identifiers: ClinVar variation 2573798 (VCV002573798.1), dbSNP rs2492904109, ClinGen allele CA377623569.